The following is an entry in ClinVar:

ClinVar aggregate classification (germline): Uncertain significance (1 of 4 stars; one submission).

Conditions:
Charcot-Marie-Tooth disease axonal type 2P. Also called: CHARCOT-MARIE-TOOTH NEUROPATHY, TYPE 2P; Charcot-Marie-Tooth Neuropathy Type 2G; CHARCOT-MARIE-TOOTH DISEASE, AXONAL, TYPE 2G; CMT 2G. Identifiers: Orphanet 300319, Orphanet 99941, MedGen C3280797, MONDO:0013753, OMIM 614436.

Submission:

Labcorp Genetics (formerly Invitae), Labcorp
Classification: Uncertain significance for Charcot-Marie-Tooth disease axonal type 2P. Last evaluated: 2021-05-07. Review status: criteria provided, single submitter. Criteria: Invitae Variant Classification Sherloc (09022015). Collection method: clinical testing. Allele origin: germline.
Comment: In summary, the available evidence is currently insufficient to determine the role of this variant in disease. Therefore, it has been classified as a Variant of Uncertain Significance. This sequence change replaces cysteine with serine at codon 678 of the LRSAM1 protein (p.Cys678Ser). The cysteine residue is highly conserved and there is a moderate physicochemical difference between cysteine and serine. This variant is not present in population databases (ExAC no frequency). This variant has not been reported in the literature in individuals with LRSAM1-related conditions. Algorithms developed to predict the effect of missense changes on protein structure and function (SIFT, PolyPhen-2, Align-GVGD) all suggest that this variant is likely to be disruptive, but these predictions have not been confirmed by published functional studies and their clinical significance is uncertain.

NM_001005373.4(LRSAM1):c.2033G>C (p.Cys678Ser)

Gene: LRSAM1 (leucine rich repeat and sterile alpha motif containing 1; plus strand). Cytogenetic location: 9q34.11.
Variant type: single nucleotide variant.
Coding change: c.2033G>C on transcript NM_001005373.4 (MANE Select); coding-DNA position 2033, G replaced by C.
Protein change: p.Cys678Ser; replaces cysteine 678 with serine.
Molecular consequence: missense variant. On other transcripts: non-coding transcript variant (2).
Genome position (GRCh38, 1-based): chr9:127,501,130, G>C. VCF-style: chr9-127501130-G-C. GRCh37 (hg19) VCF-style: chr9-130263409-G-C.
Other names: c.2033G>C, p.Cys678Ser (NM_001005374.4, NM_001384142.1, NM_138361.5); c.1952G>C, p.Cys651Ser (NM_001190723.3); c.1934G>C, p.Cys645Ser (NM_001384143.1); c.1244G>C, p.Cys415Ser (NM_001384144.1); short protein forms C645S, C415S, C678S, C651S.
Identifiers: ClinVar variation 1366448 (VCV001366448.8), dbSNP rs2132128518, ClinGen allele CA374938349.